The following is an entry in ClinVar:

ClinVar aggregate classification (germline): Uncertain significance (1 of 4 stars; one submission).

Conditions:
Early-infantile DEE. Also called: Ohtahara syndrome; Early infantile epileptic encephalopathy with suppression bursts; Early infantile epileptic encephalopathy. Identifiers: Orphanet 1934, MedGen C0393706, MONDO:0800491.

Allele frequency attached by ClinVar (database versions not stated): gnomAD exomes below 0.00001; ExAC 0.00001; ESP Exome Variant Server 0.00008.
gnomAD v4.1: 1 of 1,588,974 alleles (0.000063%); highest among the groups gnomAD compares: Non-Finnish European, 0.000086%; no homozygotes.

Submission:

Labcorp Genetics (formerly Invitae), Labcorp
Classification: Uncertain significance for Early-infantile DEE. Last evaluated: 2017-10-10. Review status: criteria provided, single submitter. Criteria: Invitae Variant Classification Sherloc (09022015). Collection method: clinical testing. Allele origin: germline.
Comment: Algorithms developed to predict the effect of missense changes on protein structure and function (SIFT, PolyPhen-2, Align-GVGD) all suggest that this variant is likely to be tolerated, but these predictions have not been confirmed by published functional studies and their clinical significance is uncertain. This variant has not been reported in the literature in individuals with KCNH5-related disease. This variant is present in population databases (rs375347137, ExAC 0.002%). This sequence change replaces isoleucine with valine at codon 938 of the KCNH5 protein (p.Ile938Val). The isoleucine residue is moderately conserved and there is a small physicochemical difference between isoleucine and valine. In summary, the available evidence is currently insufficient to determine the role of this variant in disease. Therefore, it has been classified as a Variant of Uncertain Significance.

NM_139318.5(KCNH5):c.2812A>G (p.Ile938Val)

Gene: KCNH5 (potassium voltage-gated channel subfamily H member 5; minus strand). Cytogenetic location: 14q23.2.
Variant type: single nucleotide variant.
Coding change: c.2812A>G on transcript NM_139318.5 (MANE Select); coding-DNA position 2812, A replaced by G.
Protein change: p.Ile938Val; replaces isoleucine 938 with valine.
Molecular consequence: missense variant. On other transcripts: 3 prime UTR variant (1).
Genome position (GRCh38, 1-based): chr14:62,707,663, T>C on the plus strand (A>G on the coding strand, the complement: KCNH5 is on the minus strand). VCF-style: chr14-62707663-T-C. GRCh37 (hg19) VCF-style: chr14-63174381-T-C.
Other names: c.*779A>G (NM_172375.3); short protein forms I938V.
Identifiers: ClinVar variation 530444 (VCV000530444.9), dbSNP rs375347137, ClinGen allele CA7217182.